The following is an entry in ClinVar:

NM_005732.4(RAD50):c.3629C>T (p.Ser1210Leu)

Genes: RAD50 (RAD50 double strand break repair protein; plus strand), TH2-LCR (Th2 cytokine locus control region; plus strand), TH2LCRR (T helper type 2 locus control region associated RNA; minus strand). Cytogenetic location: 5q31.1.
Variant type: single nucleotide variant.
Coding change: c.3629C>T on transcript NM_005732.4 (MANE Select); coding-DNA position 3629, C replaced by T.
Protein change: p.Ser1210Leu; replaces serine 1210 with leucine.
Molecular consequence: missense variant.
Genome position (GRCh38, 1-based): chr5:132,640,682, C>T. VCF-style: chr5-132640682-C-T. GRCh37 (hg19) VCF-style: chr5-131976374-C-T.
Other names: short protein forms S1210L.
Identifiers: ClinVar variation 408418 (VCV000408418.13), dbSNP rs1060501977, ClinGen allele CA16611751.

ClinVar aggregate classification (germline): Uncertain significance. Review status: criteria provided, multiple submitters, no conflicts (2 of 4 stars). 2 submissions from 2 submitters: Uncertain significance (2). Last evaluated 2025-12-19.

Conditions:
Hereditary cancer-predisposing syndrome. Also called: Neoplastic Syndromes, Hereditary; Tumor predisposition; Hereditary neoplastic syndrome; Hereditary Cancer Syndrome. Identifiers: Orphanet 140162, MedGen C0027672, MeSH D009386, MONDO:0015356.

Allele frequency attached by ClinVar (database versions not stated): gnomAD exomes below 0.00001.

Submissions (2):

Ambry Genetics
Classification: Uncertain significance for Hereditary cancer-predisposing syndrome. Last evaluated: 2025-12-19. Review status: criteria provided, single submitter. Criteria: Ambry Variant Classification Scheme 2023. Collection method: clinical testing. Allele origin: germline.
Comment: The p.S1210L variant (also known as c.3629C>T), located in coding exon 24 of the RAD50 gene, results from a C to T substitution at nucleotide position 3629. The serine at codon 1210 is replaced by leucine, an amino acid with dissimilar properties. This amino acid position is conserved. In addition, this alteration is predicted to be deleterious by in silico analysis. Since supporting evidence is limited at this time, the clinical significance of this alteration remains unclear.

Labcorp Genetics (formerly Invitae), Labcorp
Classification: Uncertain significance for Hereditary cancer-predisposing syndrome. Last evaluated: 2022-06-13. Review status: criteria provided, single submitter. Criteria: Invitae Variant Classification Sherloc (09022015). Collection method: clinical testing. Allele origin: germline.
Comment: In summary, the available evidence is currently insufficient to determine the role of this variant in disease. Therefore, it has been classified as a Variant of Uncertain Significance. Algorithms developed to predict the effect of missense changes on protein structure and function are either unavailable or do not agree on the potential impact of this missense change (SIFT: "Deleterious"; PolyPhen-2: "Probably Damaging"; Align-GVGD: "Class C0"). ClinVar contains an entry for this variant (Variation ID: 408418). This variant has not been reported in the literature in individuals affected with RAD50-related conditions. This variant is not present in population databases (gnomAD no frequency). This sequence change replaces serine, which is neutral and polar, with leucine, which is neutral and non-polar, at codon 1210 of the RAD50 protein (p.Ser1210Leu).